The following is an entry in ClinVar:

NM_181507.2(HPS5):c.1733C>G (p.Ser578Ter)

Gene: HPS5 (HPS5 biogenesis of lysosomal organelles complex 2 subunit 2; minus strand). Cytogenetic location: 11p15.1.
Variant type: single nucleotide variant.
Coding change: c.1733C>G on transcript NM_181507.2 (MANE Select); coding-DNA position 1733, C replaced by G.
Protein change: p.Ser578Ter; replaces serine 578 with a stop codon.
Molecular consequence: nonsense.
Genome position (GRCh38, 1-based): chr11:18,295,071, G>C on the plus strand (C>G on the coding strand, the complement: HPS5 is on the minus strand). VCF-style: chr11-18295071-G-C. GRCh37 (hg19) VCF-style: chr11-18316618-G-C.
Other names: c.1391C>G, p.Ser464Ter (NM_007216.4, NM_181508.2); short protein forms S578*, S464*.
Identifiers: ClinVar variation 2696387 (VCV002696387.3), dbSNP rs2494681209, ClinGen allele CA379493236.

ClinVar aggregate classification (germline): Pathogenic (1 of 4 stars; one submission).

Submission:

Labcorp Genetics (formerly Invitae), Labcorp
Classification: Pathogenic. Last evaluated: 2023-12-12. Review status: criteria provided, single submitter. Criteria: Invitae Variant Classification Sherloc (09022015). Collection method: clinical testing. Allele origin: germline.
Comment: This sequence change creates a premature translational stop signal (p.Ser578*) in the HPS5 gene. It is expected to result in an absent or disrupted protein product. Loss-of-function variants in HPS5 are known to be pathogenic (PMID: 12548288, 15296495, 21833017, 26785811). This variant is not present in population databases (gnomAD no frequency). This variant has not been reported in the literature in individuals affected with HPS5-related conditions. Algorithms developed to predict the effect of sequence changes on RNA splicing suggest that this variant may disrupt the consensus splice site. For these reasons, this variant has been classified as Pathogenic.

Literature cited by the submitters: PubMed 12548288; PubMed 15296495; PubMed 21833017; PubMed 26785811.